The following is an entry in ClinVar:

NM_182760.4(SUMF1):c.358dup (p.Thr120fs)

Gene: SUMF1 (sulfatase modifying factor 1; minus strand). Cytogenetic location: 3p26.1.
Variant type: Duplication.
Coding change: c.358dup on transcript NM_182760.4 (MANE Select); coding-DNA position 358, one base duplicated (A; older notation c.358dupA).
Protein change: p.Thr120fs; shifts the reading frame from threonine 120.
Molecular consequence: frameshift variant.
Genome position (GRCh38, 1-based): chr3:4,452,962, T duplicated on the plus strand (A on the coding strand, the reverse complement: SUMF1 is on the minus strand). VCF-style (leftmost placement, unchanged base first): chr3-4452961-G-GT. GRCh37 (hg19) VCF-style: chr3-4494645-G-GT.
Other names: c.358dupA (NM_182760.3); c.358dup, p.Thr120fs (NM_001164674.2, NM_001164675.2); short protein forms T120fs.
Identifiers: ClinVar variation 1414033 (VCV001414033.8), dbSNP rs867197652, ClinGen allele CA69309728.

ClinVar aggregate classification (germline): Pathogenic/Likely pathogenic. Review status: criteria provided, multiple submitters, no conflicts (2 of 4 stars). 3 submissions from 3 submitters: Pathogenic (2); Likely pathogenic (1). Last evaluated 2025-05-30.

Conditions:
Multiple sulfatase deficiency (MSD). Also called: Mucosulfatidosis; Multiple Sulfatase Deficiency Disease; Sulfatidosis, Juvenile, Austin Type. Identifiers: Orphanet 585, MedGen C0268263, MONDO:0010088, OMIM 272200.

Allele frequency attached by ClinVar (database versions not stated): gnomAD 0.00001; TOPMed 0.00003; ESP Exome Variant Server 0.00008; gnomAD exomes below 0.00001.

Submissions (3):

Natera, Inc.
Classification: Likely pathogenic for Multiple sulfatase deficiency. Last evaluated: 2025-05-30. Review status: criteria provided, single submitter. Criteria: Natera Variant Classification Schema (03/2026). Collection method: clinical testing. Allele origin: germline.
Comment: The c.358dupA variant in SUMF1 is a frameshift variant predicted to shift the reading frame beginning at codon 120 and leads to a stop codon 3 codons downstream. This variant is expected to result in nonsense mediated decay, truncation, or a dysfunctional protein product. This variant is rare in the general population with a frequency below the threshold expected for the associated phenotype(s). Given the available evidence, this variant is classified as Likely Pathogenic.

Myriad Genetics, Inc.
Classification: Pathogenic for Multiple sulfatase deficiency. Last evaluated: 2024-05-14. Review status: criteria provided, single submitter. Criteria: Myriad Autosomal Dominant, Autosomal Recessive and X-Linked Classification Criteria (2023). Collection method: clinical testing. Allele origin: unknown.
Comment: NM_182760.3(SUMF1):c.358dupA(T120Nfs*3) is expected to be pathogenic in the context of multiple sulfatase deficiency. This variant is predicted to lead to an abnormal or absent protein product due to the creation of a premature termination codon in SUMF1, a gene where loss-of-function variants are known to be pathogenic. Please note: this variant was assessed in the context of healthy population screening.

Labcorp Genetics (formerly Invitae), Labcorp
Classification: Pathogenic for Multiple sulfatase deficiency. Last evaluated: 2023-07-22. Review status: criteria provided, single submitter. Criteria: Invitae Variant Classification Sherloc (09022015). Collection method: clinical testing. Allele origin: germline.
Comment: This sequence change creates a premature translational stop signal (p.Thr120Asnfs*3) in the SUMF1 gene. It is expected to result in an absent or disrupted protein product. Loss-of-function variants in SUMF1 are known to be pathogenic (PMID: 12757705, 12757706, 25885655). This variant is present in population databases (no rsID available, gnomAD 0.007%). This variant has not been reported in the literature in individuals affected with SUMF1-related conditions. ClinVar contains an entry for this variant (Variation ID: 1414033). For these reasons, this variant has been classified as Pathogenic.

Literature cited by the submitters: PubMed 12757705 (cited by Labcorp Genetics (formerly Invitae), Labcorp); PubMed 12757706 (cited by Labcorp Genetics (formerly Invitae), Labcorp); PubMed 25885655 (cited by Labcorp Genetics (formerly Invitae), Labcorp).